The following is an entry in ClinVar:

NM_000059.4(BRCA2):c.6488A>G (p.Gln2163Arg)

Gene: BRCA2 (BRCA2 DNA repair associated; plus strand). Cytogenetic location: 13q13.1.
Variant type: single nucleotide variant.
Coding change: c.6488A>G on transcript NM_000059.4 (MANE Select); coding-DNA position 6488, A replaced by G.
Protein change: p.Gln2163Arg; replaces glutamine 2163 with arginine.
Molecular consequence: missense variant.
Genome position (GRCh38, 1-based): chr13:32,340,843, A>G. VCF-style: chr13-32340843-A-G. GRCh37 (hg19) VCF-style: chr13-32914980-A-G.
Other names: short protein forms Q2163R.
Identifiers: ClinVar variation 491304 (VCV000491304.16), dbSNP rs1555284720, ClinGen allele CA387789478.

ClinVar aggregate classification (germline): Conflicting classifications of pathogenicity. Review status: criteria provided, conflicting classifications (1 of 4 stars). 3 submissions from 3 submitters: Uncertain significance (2); Likely benign (1). Last evaluated 2024-03-09.

Conditions:
Hereditary cancer-predisposing syndrome. Also called: Hereditary neoplastic syndrome; Tumor predisposition; Hereditary Cancer Syndrome; Neoplastic Syndromes, Hereditary. Identifiers: Orphanet 140162, MedGen C0027672, MeSH D009386, MONDO:0015356.
Hereditary breast ovarian cancer syndrome. Also called: Hereditary breast and/or ovarian cancer syndrome; BRCA1- and BRCA2-Associated Hereditary Breast and Ovarian Cancer; Breast and ovarian cancer; Hereditary breast and ovarian cancer; Hereditary breast and ovarian cancer syndrome; Hereditary breast and ovarian cancer syndrome (HBOC). Identifiers: Orphanet 145, MedGen C0677776, MeSH D061325, MONDO:0003582. Disease mechanism: loss of function.

Submissions (3):

Labcorp Genetics (formerly Invitae), Labcorp
Classification: Uncertain significance for Hereditary breast ovarian cancer syndrome. Last evaluated: 2024-03-09. Review status: criteria provided, single submitter. Criteria: Invitae Variant Classification Sherloc (09022015). Collection method: clinical testing. Allele origin: germline.
Comment: This sequence change replaces glutamine, which is neutral and polar, with arginine, which is basic and polar, at codon 2163 of the BRCA2 protein (p.Gln2163Arg). This variant is not present in population databases (gnomAD no frequency). This variant has not been reported in the literature in individuals affected with BRCA2-related conditions. ClinVar contains an entry for this variant (Variation ID: 491304). Advanced modeling of protein sequence and biophysical properties (such as structural, functional, and spatial information, amino acid conservation, physicochemical variation, residue mobility, and thermodynamic stability) performed at Invitae indicates that this missense variant is not expected to disrupt BRCA2 protein function with a negative predictive value of 95%. In summary, the available evidence is currently insufficient to determine the role of this variant in disease. Therefore, it has been classified as a Variant of Uncertain Significance.

Color Diagnostics, LLC DBA Color Health
Classification: Uncertain significance for Hereditary cancer-predisposing syndrome. Last evaluated: 2023-12-05. Review status: criteria provided, single submitter. Criteria: ACMG Guidelines, 2015. Collection method: clinical testing. Allele origin: germline.
Comment: This missense variant replaces glutamine with arginine at codon 2163 of the BRCA2 protein. Computational prediction suggests that this variant may not impact protein structure and function (internally defined REVEL score threshold <= 0.5, PMID: 27666373). To our knowledge, functional studies have not been reported for this variant. This variant has not been reported in individuals affected with BRCA2-related disorders in the literature. This variant has not been identified in the general population by the Genome Aggregation Database (gnomAD). The available evidence is insufficient to determine the role of this variant in disease conclusively. Therefore, this variant is classified as a Variant of Uncertain Significance.

University of Washington Department of Laboratory Medicine, University of Washington
Classification: Likely benign for Hereditary cancer-predisposing syndrome. Last evaluated: 2023-03-23. Review status: criteria provided, single submitter. Criteria: Dines et al. (Genet Med. 2020). Collection method: curation. Allele origin: germline.
Comment: Missense variant in a coldspot region where missense variants are very unlikely to be pathogenic (PMID:31911673).

BRCA2 exon 11 coldspot. Reclassification based on statistical prior probability.